The following is an entry in ClinVar:

NM_021116.4(ADCY1):c.1666G>A (p.Val556Ile)

Gene: ADCY1 (adenylate cyclase 1; plus strand). Cytogenetic location: 7p12.3.
Variant type: single nucleotide variant.
Coding change: c.1666G>A on transcript NM_021116.4 (MANE Select); coding-DNA position 1666, G replaced by A.
Protein change: p.Val556Ile; replaces valine 556 with isoleucine.
Molecular consequence: missense variant.
Genome position (GRCh38, 1-based): chr7:45,677,929, G>A. VCF-style: chr7-45677929-G-A. GRCh37 (hg19) VCF-style: chr7-45717528-G-A.
Other names: short protein forms V556I.
Identifiers: ClinVar variation 2976014 (VCV002976014.3), dbSNP rs781058119, ClinGen allele CA4249008.

ClinVar aggregate classification (germline): Uncertain significance (1 of 4 stars; one submission).

Allele frequency attached by ClinVar (database versions not stated): gnomAD 0.00002; TOPMed 0.00002; gnomAD exomes 0.00002; ExAC 0.00004.
gnomAD v4.1: 32 of 1,613,954 alleles (0.002%); highest among the groups gnomAD compares: East Asian, 0.016%; no homozygotes.

Submission:

Labcorp Genetics (formerly Invitae), Labcorp
Classification: Uncertain significance. Last evaluated: 2025-06-29. Review status: criteria provided, single submitter. Criteria: Invitae Variant Classification Sherloc (09022015). Collection method: clinical testing. Allele origin: germline.
Comment: This sequence change replaces valine, which is neutral and non-polar, with isoleucine, which is neutral and non-polar, at codon 556 of the ADCY1 protein (p.Val556Ile). This variant is present in population databases (rs781058119, gnomAD 0.06%). This variant has not been reported in the literature in individuals affected with ADCY1-related conditions. ClinVar contains an entry for this variant (Variation ID: 2976014). An algorithm developed to predict the effect of missense changes on protein structure and function outputs the following: PolyPhen-2: "Benign". The isoleucine amino acid residue is found in multiple mammalian species, which suggests that this missense change does not adversely affect protein function. In summary, the available evidence is currently insufficient to determine the role of this variant in disease. Therefore, it has been classified as a Variant of Uncertain Significance.